The following is an entry in ClinVar:

NM_018975.4(TERF2IP):c.617C>G (p.Ser206Cys)

Gene: TERF2IP (TERF2 interacting protein; plus strand). Cytogenetic location: 16q23.1.
Variant type: single nucleotide variant.
Coding change: c.617C>G on transcript NM_018975.4 (MANE Select); coding-DNA position 617, C replaced by G.
Protein change: p.Ser206Cys; replaces serine 206 with cysteine.
Molecular consequence: missense variant. On other transcripts: non-coding transcript variant (1).
Genome position (GRCh38, 1-based): chr16:75,648,499, C>G. VCF-style: chr16-75648499-C-G. GRCh37 (hg19) VCF-style: chr16-75682397-C-G.
Other names: short protein forms S206C.
Identifiers: ClinVar variation 1752049 (VCV001752049.6), dbSNP rs527772778, ClinGen allele CA396818292.

ClinVar aggregate classification (germline): Uncertain significance. Review status: criteria provided, multiple submitters, no conflicts (2 of 4 stars). 2 submissions from 2 submitters: Uncertain significance (2). Last evaluated 2025-02-25.

Submissions (2):

Labcorp Genetics (formerly Invitae), Labcorp
Classification: Uncertain significance. Last evaluated: 2025-02-25. Review status: criteria provided, single submitter. Criteria: Invitae Variant Classification Sherloc (09022015). Collection method: clinical testing. Allele origin: germline.
Comment: This sequence change replaces serine, which is neutral and polar, with cysteine, which is neutral and slightly polar, at codon 206 of the TERF2IP protein (p.Ser206Cys). This variant is not present in population databases (gnomAD no frequency). This variant has not been reported in the literature in individuals affected with TERF2IP-related conditions. ClinVar contains an entry for this variant (Variation ID: 1752049). An algorithm developed to predict the effect of missense changes on protein structure and function (PolyPhen-2) suggests that this variant is likely to be disruptive. In summary, the available evidence is currently insufficient to determine the role of this variant in disease. Therefore, it has been classified as a Variant of Uncertain Significance.

Ambry Genetics
Classification: Uncertain significance. Last evaluated: 2024-09-21. Review status: criteria provided, single submitter. Criteria: Ambry Variant Classification Scheme 2023. Collection method: clinical testing. Allele origin: germline.
Comment: The p.S206C variant (also known as c.617C>G), located in coding exon 1 of the TERF2IP gene, results from a C to G substitution at nucleotide position 617. The serine at codon 206 is replaced by cysteine, an amino acid with dissimilar properties. This amino acid position is conserved. In addition, this alteration is predicted to be tolerated by in silico analysis. Since supporting evidence is limited at this time, the clinical significance of this alteration remains unclear.